The following is an entry in ClinVar:

NM_000180.4(GUCY2D):c.2513G>C (p.Arg838Pro)

Gene: GUCY2D (guanylate cyclase 2D, retinal; plus strand). Cytogenetic location: 17p13.1.
Variant type: single nucleotide variant.
Coding change: c.2513G>C on transcript NM_000180.4 (MANE Select); coding-DNA position 2513, G replaced by C.
Protein change: p.Arg838Pro; replaces arginine 838 with proline.
Molecular consequence: missense variant.
Genome position (GRCh38, 1-based): chr17:8,014,701, G>C. VCF-style: chr17-8014701-G-C. GRCh37 (hg19) VCF-style: chr17-7918019-G-C.
Other names: short protein forms R838P.
Identifiers: ClinVar variation 811743 (VCV000811743.17), dbSNP rs61750173, ClinGen allele CA397953618.

ClinVar aggregate classification (germline): Pathogenic. Review status: criteria provided, multiple submitters, no conflicts (2 of 4 stars). 3 submissions from 3 submitters: Pathogenic (3). Last evaluated 2025-12-24.

Conditions:
Cone-rod dystrophy 6 (CORD6). Also called: Cone dystrophy progressive; RETINAL CONE DYSTROPHY 2. Identifiers: Orphanet 1872, MedGen C1866293, MONDO:0011143, OMIM 601777.
Leber congenital amaurosis 1 (LCA1). Also called: Congenital absence of the rods and cones; Leber's congenital tapetoretinal degeneration; Leber's congenital tapetoretinal dysplasia; AMAUROSIS CONGENITA OF LEBER I; RETINAL BLINDNESS, CONGENITAL. Identifiers: Orphanet 65, MedGen C2931258, MONDO:0008764, OMIM 204000.
GUCY2D-related disorders.

Submissions (3):

Labcorp Genetics (formerly Invitae), Labcorp
Classification: Pathogenic for Leber congenital amaurosis 1; Cone-rod dystrophy 6. Last evaluated: 2025-12-24. Review status: criteria provided, single submitter. Criteria: Invitae Variant Classification Sherloc (09022015). Collection method: clinical testing. Allele origin: germline.
Comment: This sequence change replaces arginine, which is basic and polar, with proline, which is neutral and non-polar, at codon 838 of the GUCY2D protein (p.Arg838Pro). This variant is not present in population databases (gnomAD no frequency). This missense change has been observed in individuals with cone-rod dystrophy (PMID: 26298565). It has also been observed to segregate with disease in related individuals. ClinVar contains an entry for this variant (Variation ID: 811743). Invitae Evidence Modeling of protein sequence and biophysical properties (such as structural, functional, and spatial information, amino acid conservation, physicochemical variation, residue mobility, and thermodynamic stability) has been performed for this missense variant. However, the output from this modeling did not meet the statistical confidence thresholds required to predict the impact of this variant on GUCY2D protein function. This variant disrupts the p.Arg838 amino acid residue in GUCY2D. Other variant(s) that disrupt this residue have been determined to be pathogenic (PMID: 9618177, 15175914, 26298565). This suggests that this residue is clinically significant, and that variants that disrupt this residue are likely to be disease-causing. For these reasons, this variant has been classified as Pathogenic.

Blueprint Genetics
Classification: Pathogenic for GUCY2D-related disorders. Last evaluated: 2022-11-13. Review status: criteria provided, single submitter. Criteria: ACMG Guidelines, 2015. Collection method: clinical testing. Allele origin: germline. Affected: yes. Observed: 5 variant alleles.

ARUP Laboratories, Molecular Genetics and Genomics, ARUP Laboratories
Classification: Pathogenic. Last evaluated: 2018-09-01. Review status: criteria provided, single submitter. Criteria: ARUP Molecular Germline Variant Investigation Process. Collection method: clinical testing. Allele origin: germline.
Comment: The GUCY2D c.2513G>C; p.Arg838Pro variant is reported in the medical literature in individuals and families with autosomal dominant cone-rod dystrophy, cone dystrophy, and macular degeneration (Garcia-Hoyos 2011, Jiang 2015, Xu 2013). The variant is reported as occurring de novo in at least one affected individual and segregates with disease in other families (Garcia-Hoyos 2011, Jiang 2015, Xu 2013). Additionally, other variants at this codon (p.Ag838Cys, p.Arg838Gly, p.Arg838His) have also been reported in affected individuals (Jiang 2015, Kitiratschky 2008). The p.Arg838Pro variant is absent from general population databases (1000 Genomes Project, Exome Variant Server, and Genome Aggregation Database), indicating it is not a common polymorphism. The arginine is highly conserved and computational analyses (SIFT, PolyPhen-2) predict that this variant is deleterious. In agreement with this prediction, arginine 838 has been shown to be critical for calcium binding and protein dimerization and other variants in this codon disrupt this critical function in vitro (Ramamurthy 2001). Considering available information, this variant is classified as pathogenic. Pathogenic GUCY2D variants are causative for autosomal dominant or recessive cone-rod dystrophy (MIM: 601777) or autosomal recessive Leber congenital amaurosis (MIM: 204000). Most pathogenic variants associated with GUCY2D autosomal dominant cone degeneration or cone-rod degeneration occur in amino acid residue p.Arg838 (Kitiratschky 2008). References: Garcia-Hoyos M et al. Mutation analysis at codon 838 of the Guanylate Cyclase 2D gene in Spanish families with autosomal dominant cone, cone-rod, and macular dystrophies. Mol Vis. 2011 Apr 29;17:1103-9. Jiang F et al. GUCY2D mutations in a Chinese cohort with autosomal dominant cone or cone-rod dystrophies. Doc Ophthalmol. 2015 Oct;131(2):105-14 . Kitiratschky VB et al. Mutation analysis identifies GUCY2D as the major gene responsible for autosomal dominant progressive cone degeneration. Invest Ophthalmol Vis Sci 2008 Nov;49(11):5015-5023. Ramamurthy V et al. Interactions within the coiled-coil domain of RetGC-1 guanylyl cyclase are optimized for regulation rather than for high affinity. J Biol Chem. 2001 Jul 13;276(28):26218-29. Xu F et a. Phenotypic characterization of a Chinese family with autosomal dominant cone-rod dystrophy related to GUCY2D. Doc Ophthalmol. 2013 Jun;126(3):233-40.

Literature cited by the submitters: PubMed 26298565 (cited by Labcorp Genetics (formerly Invitae), Labcorp); PubMed 9618177 (cited by Labcorp Genetics (formerly Invitae), Labcorp); PubMed 15175914 (cited by Labcorp Genetics (formerly Invitae), Labcorp).